The following is an entry in ClinVar:

ClinVar aggregate classification (germline): Uncertain significance. Review status: criteria provided, multiple submitters, no conflicts (2 of 4 stars). 2 submissions from 2 submitters: Uncertain significance (2). Last evaluated 2023-12-20.

Submissions (2):

Ambry Genetics
Classification: Uncertain significance. Last evaluated: 2023-12-20. Review status: criteria provided, single submitter. Criteria: Ambry Variant Classification Scheme 2023. Collection method: clinical testing. Allele origin: germline.

Labcorp Genetics (formerly Invitae), Labcorp
Classification: Uncertain significance. Last evaluated: 2022-09-16. Review status: criteria provided, single submitter. Criteria: Invitae Variant Classification Sherloc (09022015). Collection method: clinical testing. Allele origin: germline.
Comment: This sequence change replaces alanine, which is neutral and non-polar, with serine, which is neutral and polar, at codon 191 of the NFS1 protein (p.Ala191Ser). This variant is not present in population databases (gnomAD no frequency). This variant has not been reported in the literature in individuals affected with NFS1-related conditions. Algorithms developed to predict the effect of missense changes on protein structure and function output the following: SIFT: "Tolerated"; PolyPhen-2: "Benign"; Align-GVGD: "Class C0". The serine amino acid residue is found in multiple mammalian species, which suggests that this missense change does not adversely affect protein function. In summary, the available evidence is currently insufficient to determine the role of this variant in disease. Therefore, it has been classified as a Variant of Uncertain Significance.

NM_021100.5(NFS1):c.571G>T (p.Ala191Ser)

Gene: NFS1 (NFS1 cysteine desulfurase; minus strand). Cytogenetic location: 20q11.22.
Variant type: single nucleotide variant.
Coding change: c.571G>T on transcript NM_021100.5 (MANE Select); coding-DNA position 571, G replaced by T.
Protein change: p.Ala191Ser; replaces alanine 191 with serine.
Molecular consequence: missense variant. On other transcripts: non-coding transcript variant (1).
Genome position (GRCh38, 1-based): chr20:35,681,972, C>A on the plus strand (G>T on the coding strand, the complement: NFS1 is on the minus strand). VCF-style: chr20-35681972-C-A. GRCh37 (hg19) VCF-style: chr20-34269894-C-A.
Other names: c.571G>T (NM_021100.4); c.418G>T, p.Ala140Ser (NM_001198989.2); short protein forms A191S, A140S.
Identifiers: ClinVar variation 1961181 (VCV001961181.6), dbSNP rs761158233, ClinGen allele CA408763513.